The following is an entry in ClinVar:

NM_004260.4(RECQL4):c.1813G>A (p.Asp605Asn)

Gene: RECQL4 (RecQ like helicase 4; minus strand). Cytogenetic location: 8q24.3.
Variant type: single nucleotide variant.
Coding change: c.1813G>A on transcript NM_004260.4 (MANE Select); coding-DNA position 1813, G replaced by A.
Protein change: p.Asp605Asn; replaces aspartic acid 605 with asparagine.
Molecular consequence: missense variant. On other transcripts: non-coding transcript variant (3), intron variant (3).
Genome position (GRCh38, 1-based): chr8:144,514,254, C>T on the plus strand (G>A on the coding strand, the complement: RECQL4 is on the minus strand). VCF-style: chr8-144514254-C-T. GRCh37 (hg19) VCF-style: chr8-145739638-C-T.
Other names: c.1717G>A, p.Asp573Asn (NM_001413017.1, NM_001413020.1); c.1813G>A, p.Asp605Asn (NM_001413018.1, NM_001413019.1, NM_001413036.1); c.742G>A, p.Asp248Asn (NM_001413021.1, NM_001413034.1, NM_001413035.1 and 6 more transcripts); c.1783G>A, p.Asp595Asn (NM_001413039.1); c.676G>A, p.Asp226Asn (NM_001413041.1, NM_001413027.1, NM_001413030.1 and 1 more transcripts); c.712G>A, p.Asp238Asn (NM_001413042.1); c.346G>A, p.Asp116Asn (NM_001413043.1); c.1684G>A, p.Asp562Asn (NM_001413025.1); and 4 more; short protein forms D488N, D562N, D573N, D595N, D605N, D116N, D226N, D238N.
Identifiers: ClinVar variation 4863201 (VCV004863201.1).

ClinVar aggregate classification (germline): Uncertain significance (1 of 4 stars; one submission).

Conditions:
Inborn genetic diseases. Identifiers: MedGen C0950123, MeSH D030342.

Submission:

Ambry Genetics
Classification: Uncertain significance for Inborn genetic diseases. Last evaluated: 2026-05-24. Review status: criteria provided, single submitter. Criteria: Ambry Variant Classification Scheme 2023. Collection method: clinical testing. Allele origin: germline.
Comment: The p.D605N variant (also known as c.1813G>A), located in coding exon 11 of the RECQL4 gene, results from a G to A substitution at nucleotide position 1813. The aspartic acid at codon 605 is replaced by asparagine, an amino acid with highly similar properties. This amino acid position is conserved. In addition, the in silico prediction for this alteration is inconclusive. Based on the available evidence, the clinical significance of this variant remains unclear.